The following is an entry in ClinVar:

NM_001134363.3(RBM20):c.1868G>A (p.Arg623Gln)

Gene: RBM20 (RNA binding motif protein 20; plus strand). Cytogenetic location: 10q25.2.
Variant type: single nucleotide variant.
Coding change: c.1868G>A on transcript NM_001134363.3 (MANE Select); coding-DNA position 1868, G replaced by A.
Protein change: p.Arg623Gln; replaces arginine 623 with glutamine.
Molecular consequence: missense variant.
Genome position (GRCh38, 1-based): chr10:110,810,450, G>A. VCF-style: chr10-110810450-G-A. GRCh37 (hg19) VCF-style: chr10-112570208-G-A.
Other names: short protein forms R623Q.
Identifiers: ClinVar variation 1011868 (VCV001011868.25), dbSNP rs1366402693, ClinGen allele CA378369346.

ClinVar aggregate classification (germline): Conflicting classifications of pathogenicity. Review status: criteria provided, conflicting classifications (1 of 4 stars). 7 submissions from 7 submitters: Uncertain significance (4); Likely benign (1). 2 of the submissions do not count toward it. Last evaluated 2025-09-01.

Conditions:
Cardiovascular phenotype. Identifiers: MedGen CN230736.
Dilated cardiomyopathy 1DD (CMD1DD). Identifiers: Orphanet 154, MedGen C2750995, MONDO:0013168, OMIM 613172.

Allele frequency attached by ClinVar (database versions not stated): gnomAD 0.00001; gnomAD exomes 0.00001; TOPMed 0.00001.
gnomAD v4.1: 12 of 1,551,198 alleles (0.00077%); highest among the groups gnomAD compares: East Asian, 0.0049%; no homozygotes.

Submissions (7):

CeGaT Center for Human Genetics Tuebingen
Classification: Uncertain significance. Last evaluated: 2025-09-01. Review status: criteria provided, single submitter. Criteria: CeGaT Center For Human Genetics Tuebingen Variant Classification Criteria Version 2. Collection method: clinical testing. Allele origin: germline. Affected: yes. Observed: 1 variant allele.
Comment: RBM20: PM2

GeneDx
Classification: Uncertain significance. Last evaluated: 2025-03-31. Review status: criteria provided, single submitter. Criteria: GeneDx Variant Classification Process June 2021. Collection method: clinical testing. Allele origin: germline. Affected: yes.
Comment: Not observed at significant frequency in large population cohorts (gnomAD); In silico analysis indicates that this missense variant does not alter protein structure/function; Has not been previously reported in peer-reviewed literature as pathogenic or benign to our knowledge. However, in a dissertation by Posafalvi (2015), R623Q was observed in an individual with unspecified cardiomyopathy; this individual also had a variant in the MYH7 gene.

Labcorp Genetics (formerly Invitae), Labcorp
Classification: Likely benign for Dilated cardiomyopathy 1DD. Last evaluated: 2025-01-13. Review status: criteria provided, single submitter. Criteria: Invitae Variant Classification Sherloc (09022015). Collection method: clinical testing. Allele origin: germline.

Ambry Genetics
Classification: Uncertain significance for Cardiovascular phenotype. Last evaluated: 2024-01-31. Review status: criteria provided, single submitter. Criteria: Ambry Variant Classification Scheme 2023. Collection method: clinical testing. Allele origin: germline.
Comment: The p.R623Q variant (also known as c.1868G>A), located in coding exon 8 of the RBM20 gene, results from a G to A substitution at nucleotide position 1868. The arginine at codon 623 is replaced by glutamine, an amino acid with highly similar properties. This amino acid position is well conserved in available vertebrate species. In addition, the in silico prediction for this alteration is inconclusive. Since supporting evidence is limited at this time, the clinical significance of this alteration remains unclear.

Fulgent Genetics
Classification: Uncertain significance for Dilated cardiomyopathy 1DD. Last evaluated: 2021-10-11. Review status: criteria provided, single submitter. Criteria: ACMG Guidelines, 2015. Collection method: clinical testing. Allele origin: unknown.

Diagnostic Laboratory, Department of Genetics, University Medical Center Groningen
Classification: Uncertain significance. Review status: no assertion criteria provided. Collection method: clinical testing. Allele origin: germline. Affected: yes. Study: VKGL Data-share Consensus. Not counted in ClinVar's aggregate classification.

Joint Genome Diagnostic Labs from Nijmegen and Maastricht, Radboudumc and MUMC+
Classification: Uncertain significance. Review status: no assertion criteria provided. Collection method: clinical testing. Allele origin: germline. Affected: yes. Study: VKGL Data-share Consensus. Not counted in ClinVar's aggregate classification.